The following is an entry in ClinVar:

NM_006031.6(PCNT):c.7558G>A (p.Glu2520Lys)

Gene: PCNT (pericentrin; plus strand). Cytogenetic location: 21q22.3.
Variant type: single nucleotide variant.
Coding change: c.7558G>A on transcript NM_006031.6 (MANE Select); coding-DNA position 7558, G replaced by A.
Protein change: p.Glu2520Lys; replaces glutamic acid 2520 with lysine.
Molecular consequence: missense variant.
Genome position (GRCh38, 1-based): chr21:46,428,458, G>A. VCF-style: chr21-46428458-G-A. GRCh37 (hg19) VCF-style: chr21-47848372-G-A.
Other names: c.7204G>A, p.Glu2402Lys (NM_001315529.2); c.7558G>A (NM_006031.5); short protein forms E2402K, E2520K.
Identifiers: ClinVar variation 1368574 (VCV001368574.6), dbSNP rs375572719, ClinGen allele CA10080707.

ClinVar aggregate classification (germline): Uncertain significance. Review status: criteria provided, multiple submitters, no conflicts (2 of 4 stars). 3 submissions from 3 submitters: Uncertain significance (2). 1 of the submissions does not count toward it. Last evaluated 2023-09-29.

Conditions:
PCNT-related disorder. Also called: PCNT-related condition.
Inborn genetic diseases. Identifiers: MedGen C0950123, MeSH D030342.

Allele frequency attached by ClinVar (database versions not stated): ExAC 0.00004; gnomAD exomes 0.00004; gnomAD 0.00005 and 0.00006; TOPMed 0.00007; ESP Exome Variant Server 0.00008.
gnomAD v4.1: 73 of 1,612,360 alleles (0.0045%); highest among the groups gnomAD compares: African/African-American, 0.016%; no homozygotes.

Submissions (3):

Ambry Genetics
Classification: Uncertain significance for Inborn genetic diseases. Last evaluated: 2023-09-29. Review status: criteria provided, single submitter. Criteria: Ambry Variant Classification Scheme 2023. Collection method: clinical testing. Allele origin: germline.

Labcorp Genetics (formerly Invitae), Labcorp
Classification: Uncertain significance. Last evaluated: 2022-10-17. Review status: criteria provided, single submitter. Criteria: Invitae Variant Classification Sherloc (09022015). Collection method: clinical testing. Allele origin: germline.
Comment: This sequence change replaces glutamic acid, which is acidic and polar, with lysine, which is basic and polar, at codon 2520 of the PCNT protein (p.Glu2520Lys). This variant is present in population databases (rs375572719, gnomAD 0.006%). This variant has not been reported in the literature in individuals affected with PCNT-related conditions. ClinVar contains an entry for this variant (Variation ID: 1368574). Algorithms developed to predict the effect of missense changes on protein structure and function (SIFT, PolyPhen-2, Align-GVGD) all suggest that this variant is likely to be disruptive. In summary, the available evidence is currently insufficient to determine the role of this variant in disease. Therefore, it has been classified as a Variant of Uncertain Significance.

PreventionGenetics, part of Exact Sciences
Classification: Uncertain significance for PCNT-related condition. Last evaluated: 2024-01-18. Review status: no assertion criteria provided. Collection method: clinical testing. Allele origin: germline. Not counted in ClinVar's aggregate classification.
Comment: The PCNT c.7558G>A variant is predicted to result in the amino acid substitution p.Glu2520Lys. To our knowledge, this variant has not been reported in the literature. This variant is reported in 0.013% of alleles in individuals of African descent in gnomAD. At this time, the clinical significance of this variant is uncertain due to the absence of conclusive functional and genetic evidence.